The following is an entry in ClinVar:

NM_001323289.2(CDKL5):c.2680G>C (p.Ala894Pro)

Gene: CDKL5 (cyclin dependent kinase like 5; plus strand). Cytogenetic location: Xp22.13.
Variant type: single nucleotide variant.
Coding change: c.2680G>C on transcript NM_001323289.2 (MANE Select); coding-DNA position 2680, G replaced by C.
Protein change: p.Ala894Pro; replaces alanine 894 with proline.
Molecular consequence: missense variant.
Genome position (GRCh38, 1-based): chrX:18,628,554, G>C. VCF-style: chrX-18628554-G-C. GRCh37 (hg19) VCF-style: chrX-18646674-G-C.
Other names: c.2680G>C, p.Ala894Pro (NM_001037343.2, NM_003159.3); short protein forms A894P.
Identifiers: ClinVar variation 1464217 (VCV001464217.8), dbSNP rs763110247, ClinGen allele CA412367987.

ClinVar aggregate classification (germline): Uncertain significance (1 of 4 stars; one submission).

Conditions:
Angelman syndrome-like. Identifiers: MedGen CN128785.
Developmental and epileptic encephalopathy, 2 (DEE2). Also called: INFANTILE SPASM SYNDROME, X-LINKED 2; CDKL5 deficiency disorder. Identifiers: Orphanet 1934, Orphanet 3451, Orphanet 505652, MedGen C4750718, MONDO:0010396, OMIM 300672.

Allele frequency attached by ClinVar (database versions not stated): TOPMed below 0.00001.
gnomAD v4.1: 1 of 1,211,467 alleles (0.000083%); highest among the groups gnomAD compares: Non-Finnish European, 0.00011%; no homozygotes.

Submission:

Labcorp Genetics (formerly Invitae), Labcorp
Classification: Uncertain significance for Developmental and epileptic encephalopathy, 2; Angelman syndrome-like. Last evaluated: 2022-02-05. Review status: criteria provided, single submitter. Criteria: Invitae Variant Classification Sherloc (09022015). Collection method: clinical testing. Allele origin: germline.
Comment: In summary, the available evidence is currently insufficient to determine the role of this variant in disease. Therefore, it has been classified as a Variant of Uncertain Significance. Advanced modeling of protein sequence and biophysical properties (such as structural, functional, and spatial information, amino acid conservation, physicochemical variation, residue mobility, and thermodynamic stability) performed at Invitae indicates that this missense variant is not expected to disrupt CDKL5 protein function. This variant has not been reported in the literature in individuals affected with CDKL5-related conditions. This variant is not present in population databases (gnomAD no frequency). This sequence change replaces alanine, which is neutral and non-polar, with proline, which is neutral and non-polar, at codon 894 of the CDKL5 protein (p.Ala894Pro).